The following is an entry in ClinVar:

NM_001846.4(COL4A2):c.4275dup (p.Gly1426fs)

Genes: COL4A2 (collagen type IV alpha 2 chain; plus strand), COL4A2-AS1 (COL4A2 antisense RNA 1; minus strand). Cytogenetic location: 13q34.
Variant type: Duplication.
Coding change: c.4275dup on transcript NM_001846.4 (MANE Select); coding-DNA position 4275, one base duplicated (C; older notation c.4275dupC).
Protein change: p.Gly1426fs; shifts the reading frame from glycine 1426.
Molecular consequence: frameshift variant.
Genome position (GRCh38, 1-based): chr13:110,503,983, C duplicated; the last of 7 consecutive C bases (chr13:110,503,977-110,503,983); duplicating any one gives the same sequence. VCF-style (leftmost placement, unchanged base first): chr13-110503976-G-GC. GRCh37 (hg19) VCF-style: chr13-111156323-G-GC.
Other names: short protein forms G1426fs.
Identifiers: ClinVar variation 1456092 (VCV001456092.8), dbSNP rs34603892, ClinGen allele CA7050461.
Genomic context (GRCh38, chr13:110,503,976, plus strand): 5'-CAGTGGGTCCCCAGGGGAGGCGAGGCCCCCCTGGGGCACCGGGGGAGATGGGGCCCCAGG[G>GC]CCCCCCCGGAGAACCAGGTAGAGTGCTGAGCTGGGGCCTGGAGCCCCTCGGGGCTGCCCG-3'

ClinVar aggregate classification (germline): Conflicting classifications of pathogenicity. Review status: criteria provided, conflicting classifications (1 of 4 stars). 4 submissions from 4 submitters: Pathogenic (1); Uncertain significance (2); Likely benign (1). Last evaluated 2026-04-03.

Conditions:
Brain small vessel disease 2A, autosomal dominant. Also called: Porencephaly 2. Identifiers: Orphanet 2940, Orphanet 99810, MedGen C3280970, MONDO:0013773, OMIM 614483.

Submissions (4):

Greenwood Genetic Center Diagnostic Laboratories, Greenwood Genetic Center
Classification: Uncertain significance. Last evaluated: 2026-04-03. Review status: criteria provided, single submitter. Criteria: ACMG Guidelines, 2015. Collection method: clinical testing. Allele origin: germline.
Comment: PVS1

OLLIN Analises Genomicas, OLLIN
Classification: Uncertain significance for Brain small vessel disease 2A, autosomal dominant. Last evaluated: 2026-02-13. Review status: criteria provided, single submitter. Criteria: ACMG Guidelines 2015 PMID 25741868. Collection method: clinical testing. Allele origin: germline. Observed: 1 variant allele.
Comment: PVS1, BS1

Labcorp Genetics (formerly Invitae), Labcorp
Classification: Pathogenic. Last evaluated: 2024-01-31. Review status: criteria provided, single submitter. Criteria: Invitae Variant Classification Sherloc (09022015). Collection method: clinical testing. Allele origin: germline.
Comment: This sequence change creates a premature translational stop signal (p.Gly1426Argfs*30) in the COL4A2 gene. It is expected to result in an absent or disrupted protein product. Loss-of-function variants in COL4A2 are known to be pathogenic (PMID: 22333902, 30315939). The frequency data for this variant in the population databases is considered unreliable, as metrics indicate poor data quality at this position in the gnomAD database. This variant has not been reported in the literature in individuals affected with COL4A2-related conditions. ClinVar contains an entry for this variant (Variation ID: 1456092). For these reasons, this variant has been classified as Pathogenic.

Blueprint Genetics
Classification: Likely benign. Last evaluated: 2019-09-16. Review status: criteria provided, single submitter. Criteria: ACMG Guidelines, 2015. Collection method: clinical testing. Allele origin: germline.

Literature cited by the submitters: PubMed 22333902 (cited by Labcorp Genetics (formerly Invitae), Labcorp); PubMed 30315939 (cited by Labcorp Genetics (formerly Invitae), Labcorp).